The following is an entry in ClinVar:

NM_007198.4(PLPBP):c.159G>A (p.Met53Ile)

Gene: PLPBP (pyridoxal phosphate binding protein; plus strand). Cytogenetic location: 8p11.23.
Variant type: single nucleotide variant.
Coding change: c.159G>A on transcript NM_007198.4 (MANE Select); coding-DNA position 159, G replaced by A.
Protein change: p.Met53Ile; replaces methionine 53 with isoleucine.
Molecular consequence: missense variant. On other transcripts: initiator codon variant (1).
Genome position (GRCh38, 1-based): chr8:37,765,585, G>A. VCF-style: chr8-37765585-G-A. GRCh37 (hg19) VCF-style: chr8-37623103-G-A.
Other names: c.159G>A, p.Met53Ile (NM_001349346.2, NM_001349347.2); c.3G>A, p.Met1Ile (NM_001349348.2); c.264G>A, p.Met88Ile (NM_001349349.1); short protein forms M1I, M53I, M88I.
Identifiers: ClinVar variation 2897496 (VCV002897496.1), dbSNP rs1173889260, ClinGen allele CA370666681.

ClinVar aggregate classification (germline): Uncertain significance (1 of 4 stars; one submission).

Allele frequency attached by ClinVar (database versions not stated): gnomAD exomes below 0.00001; gnomAD 0.00001.
gnomAD v4.1: 4 of 1,614,012 alleles (0.00025%); highest among the groups gnomAD compares: Non-Finnish European, 0.00034%; no homozygotes.

Submission:

Labcorp Genetics (formerly Invitae), Labcorp
Classification: Uncertain significance. Last evaluated: 2023-05-03. Review status: criteria provided, single submitter. Criteria: Invitae Variant Classification Sherloc (09022015). Collection method: clinical testing. Allele origin: germline.
Comment: In summary, the available evidence is currently insufficient to determine the role of this variant in disease. Therefore, it has been classified as a Variant of Uncertain Significance. Advanced modeling of protein sequence and biophysical properties (such as structural, functional, and spatial information, amino acid conservation, physicochemical variation, residue mobility, and thermodynamic stability) performed at Invitae indicates that this missense variant is not expected to disrupt PROSC protein function. This variant has not been reported in the literature in individuals affected with PROSC-related conditions. This variant is present in population databases (no rsID available, gnomAD 0.007%). This sequence change replaces methionine, which is neutral and non-polar, with isoleucine, which is neutral and non-polar, at codon 53 of the PROSC protein (p.Met53Ile).